The following is an entry in ClinVar:

NM_001291415.2(KDM6A):c.2410C>T (p.His804Tyr)

Gene: KDM6A (lysine demethylase 6A; plus strand). Cytogenetic location: Xp11.3.
Variant type: single nucleotide variant.
Coding change: c.2410C>T on transcript NM_001291415.2 (MANE Select); coding-DNA position 2410, C replaced by T.
Protein change: p.His804Tyr; replaces histidine 804 with tyrosine.
Molecular consequence: missense variant. On other transcripts: non-coding transcript variant (1).
Genome position (GRCh38, 1-based): chrX:45,069,909, C>T. VCF-style: chrX-45069909-C-T. GRCh37 (hg19) VCF-style: chrX-44929154-C-T.
Other names: c.2275C>T, p.His759Tyr (NM_001291416.2); c.2119C>T, p.His707Tyr (NM_001291417.2); c.2017C>T, p.His673Tyr (NM_001291418.2); c.1366C>T, p.His456Tyr (NM_001291421.2); c.2254C>T, p.His752Tyr (NM_021140.4); short protein forms H752Y, H804Y, H456Y, H673Y, H707Y, H759Y.
Identifiers: ClinVar variation 451723 (VCV000451723.7), dbSNP rs753811835, ClinGen allele CA10392508.
Genomic context (GRCh38, chrX:45,069,909, plus strand): 5'-AGGCACACTGGAGAGACACCTAACAGCACTGCCAGTGTCGAGGGACTTCCTAATCATGTC[C>T]ATCAGATGACGGCAGATGCTGTTTGCAGTCCTAGCCATGGAGATTCTAAGTCACCAGGTT-3'
Protein context (NP_001278344.1, residues 794-814): ASVEGLPNHV[His804Tyr]QMTADAVCSP

ClinVar aggregate classification (germline): Conflicting classifications of pathogenicity. Review status: criteria provided, conflicting classifications (1 of 4 stars). 3 submissions from 3 submitters: Uncertain significance (2); Likely benign (1). Last evaluated 2025-12-31.

Conditions:
Inborn genetic diseases. Identifiers: MedGen C0950123, MeSH D030342.
Kabuki syndrome 2 (KABUK2). Also called: KDM6A-Related Kabuki Syndrome. Identifiers: Orphanet 2322, MedGen C3275495, MONDO:0010465, OMIM 300867.

Allele frequency attached by ClinVar (database versions not stated): ExAC 0.00001; gnomAD exomes 0.00001.
gnomAD v4.1: 10 of 1,211,261 alleles (0.00083%); highest among the groups gnomAD compares: Non-Finnish European, 0.00078%; no homozygotes.

Submissions (3):

Ambry Genetics
Classification: Likely benign for Inborn genetic diseases. Last evaluated: 2025-12-31. Review status: criteria provided, single submitter. Criteria: Ambry Variant Classification Scheme 2023. Collection method: clinical testing. Allele origin: germline.

Labcorp Genetics (formerly Invitae), Labcorp
Classification: Uncertain significance for Kabuki syndrome 2. Last evaluated: 2025-10-12. Review status: criteria provided, single submitter. Criteria: Invitae Variant Classification Sherloc (09022015). Collection method: clinical testing. Allele origin: germline.
Comment: This sequence change replaces histidine, which is basic and polar, with tyrosine, which is neutral and polar, at codon 752 of the KDM6A protein (p.His752Tyr). This variant is present in population databases (rs753811835, gnomAD 0.01%), including at least one homozygous and/or hemizygous individual. This variant has not been reported in the literature in individuals affected with KDM6A-related conditions. ClinVar contains an entry for this variant (Variation ID: 451723). Invitae Evidence Modeling of protein sequence and biophysical properties (such as structural, functional, and spatial information, amino acid conservation, physicochemical variation, residue mobility, and thermodynamic stability) indicates that this missense variant is not expected to disrupt KDM6A protein function with a negative predictive value of 80%. In summary, the available evidence is currently insufficient to determine the role of this variant in disease. Therefore, it has been classified as a Variant of Uncertain Significance.

GeneDx
Classification: Uncertain significance. Last evaluated: 2017-09-11. Review status: criteria provided, single submitter. Criteria: GeneDx Variant Classification (06012015). Collection method: clinical testing. Allele origin: germline. Affected: yes.
Comment: The H752Y variant in the KDM6A gene has not been reported previously as a pathogenic variant, nor as a benign variant, to our knowledge. The H752Y variant is not observed in large population cohorts (Lek et al., 2016; 1000 Genomes Consortium et al., 2015; Exome Variant Server). The H752Y variant is a non-conservative amino acid substitution, which is likely to impact secondary protein structure as these residues differ in polarity, charge, size and/or other properties. This substitution occurs at a position that is conserved in mammals. In silico analysis predicts this variant is probably damaging to the protein structure/function. We interpret H752Y as a variant of uncertain significance